The following is an entry in ClinVar:

NM_001036.6(RYR3):c.1186A>G (p.Thr396Ala)

Gene: RYR3 (ryanodine receptor 3; plus strand). Cytogenetic location: 15q14.
Variant type: single nucleotide variant.
Coding change: c.1186A>G on transcript NM_001036.6 (MANE Select); coding-DNA position 1186, A replaced by G.
Protein change: p.Thr396Ala; replaces threonine 396 with alanine.
Molecular consequence: missense variant.
Genome position (GRCh38, 1-based): chr15:33,566,717, A>G. VCF-style: chr15-33566717-A-G. GRCh37 (hg19) VCF-style: chr15-33858918-A-G.
Other names: c.1186A>G, p.Thr396Ala (NM_001243996.4); short protein forms T396A.
Identifiers: ClinVar variation 1024288 (VCV001024288.8), dbSNP rs1567552866, ClinGen allele CA391565731.

ClinVar aggregate classification (germline): Uncertain significance (1 of 4 stars; one submission).

Conditions:
Epileptic encephalopathy. Identifiers: MedGen C0543888, HP:0200134.

Allele frequency attached by ClinVar (database versions not stated): gnomAD 0.00001; gnomAD exomes 0.00001.
gnomAD v4.1: 9 of 1,613,670 alleles (0.00056%); highest among the groups gnomAD compares: Middle Eastern, 0.016%; no homozygotes.

Submission:

Labcorp Genetics (formerly Invitae), Labcorp
Classification: Uncertain significance for Epileptic encephalopathy. Last evaluated: 2020-10-09. Review status: criteria provided, single submitter. Criteria: Invitae Variant Classification Sherloc (09022015). Collection method: clinical testing. Allele origin: germline.
Comment: In summary, the available evidence is currently insufficient to determine the role of this variant in disease. Therefore, it has been classified as a Variant of Uncertain Significance. Algorithms developed to predict the effect of missense changes on protein structure and function (SIFT, PolyPhen-2, Align-GVGD) all suggest that this variant is likely to be tolerated, but these predictions have not been confirmed by published functional studies and their clinical significance is uncertain. This variant has not been reported in the literature in individuals with RYR3-related conditions. This variant is not present in population databases (ExAC no frequency). This sequence change replaces threonine with alanine at codon 396 of the RYR3 protein (p.Thr396Ala). The threonine residue is moderately conserved and there is a small physicochemical difference between threonine and alanine.